The following is an entry in ClinVar:

ClinVar aggregate classification (germline): Uncertain significance (1 of 4 stars; one submission).

Allele frequency attached by ClinVar (database versions not stated): gnomAD exomes below 0.00001.

Submission:

GeneDx
Classification: Uncertain significance. Last evaluated: 2020-06-29. Review status: criteria provided, single submitter. Criteria: GeneDx Variant Classification Process June 2021. Collection method: clinical testing. Allele origin: germline. Affected: yes.
Comment: Not observed in large population cohorts (Lek et al., 2016); In silico analysis supports that this missense variant has a deleterious effect on protein structure/function; Has not been previously published as pathogenic or benign to our knowledge

NM_015375.3(DSTYK):c.2218G>A (p.Asp740Asn)

Gene: DSTYK (dual serine/threonine and tyrosine protein kinase; minus strand). Cytogenetic location: 1q32.1.
Variant type: single nucleotide variant.
Coding change: c.2218G>A on transcript NM_015375.3 (MANE Select); coding-DNA position 2218, G replaced by A.
Protein change: p.Asp740Asn; replaces aspartic acid 740 with asparagine.
Molecular consequence: missense variant.
Genome position (GRCh38, 1-based): chr1:205,159,567, C>T on the plus strand (G>A on the coding strand, the complement: DSTYK is on the minus strand). VCF-style: chr1-205159567-C-T. GRCh37 (hg19) VCF-style: chr1-205128695-C-T.
Other names: c.2218G>A, p.Asp740Asn (NM_199462.3); short protein forms D740N.
Identifiers: ClinVar variation 1318283 (VCV001318283.2), dbSNP rs2102396676, ClinGen allele CA344392712.
Genomic context (GRCh38, chr1:205,159,567, plus strand): 5'-CGTGGATTTGGCTGCCAGCTGGATCTTGCTCTCTCCTTACCTTCAGCCCTGTGTAGAGAT[C>T]CCGGTGTAGCCGCTCCATAATGAGGAGCACAGCAATGCTGGAGCCACCACCATAGTTGTA-3'
Protein context (NP_056190.1, residues 730-750): VLLIMERLHR[Asp740Asn]LYTGLKAGLT